The following is an entry in ClinVar:

NM_205836.3(FBXO38):c.2231T>C (p.Val744Ala)

Gene: FBXO38 (F-box protein 38; plus strand). Cytogenetic location: 5q32.
Variant type: single nucleotide variant.
Coding change: c.2231T>C on transcript NM_205836.3 (MANE Select); coding-DNA position 2231, T replaced by C.
Protein change: p.Val744Ala; replaces valine 744 with alanine.
Molecular consequence: missense variant. On other transcripts: intron variant (1).
Genome position (GRCh38, 1-based): chr5:148,427,525, T>C. VCF-style: chr5-148427525-T-C. GRCh37 (hg19) VCF-style: chr5-147807088-T-C.
Other names: c.2231T>C, p.Val744Ala (NM_030793.5); c.1918+1824T>C (NM_001271723.2); c.2231T>C (NM_030793.4); short protein forms V744A.
Identifiers: ClinVar variation 2168446 (VCV002168446.5), dbSNP rs372364064, ClinGen allele CA3497477.

ClinVar aggregate classification (germline): Uncertain significance. Review status: criteria provided, multiple submitters, no conflicts (2 of 4 stars). 2 submissions from 2 submitters: Uncertain significance (2). Last evaluated 2025-04-07.

Conditions:
Distal hereditary motor neuropathy type 2. Identifiers: Orphanet 139525, MedGen C3711384, MeSH C580044, MONDO:0015352.

Allele frequency attached by ClinVar (database versions not stated): ExAC 0.00003; ESP Exome Variant Server 0.00008; TOPMed 0.00008; gnomAD 0.00009; 1000 Genomes Project 30x 0.00016; 1000 Genomes Project 0.00020.
gnomAD v4.1: 19 of 1,614,010 alleles (0.0012%); highest among the groups gnomAD compares: African/African-American, 0.025%; no homozygotes.

Submissions (2):

Labcorp Genetics (formerly Invitae), Labcorp
Classification: Uncertain significance for Distal hereditary motor neuropathy type 2. Last evaluated: 2025-04-07. Review status: criteria provided, single submitter. Criteria: Invitae Variant Classification Sherloc (09022015). Collection method: clinical testing. Allele origin: germline.
Comment: This sequence change replaces valine, which is neutral and non-polar, with alanine, which is neutral and non-polar, at codon 744 of the FBXO38 protein (p.Val744Ala). This variant is present in population databases (rs372364064, gnomAD 0.02%). This variant has not been reported in the literature in individuals affected with FBXO38-related conditions. ClinVar contains an entry for this variant (Variation ID: 2168446). Invitae Evidence Modeling of protein sequence and biophysical properties (such as structural, functional, and spatial information, amino acid conservation, physicochemical variation, residue mobility, and thermodynamic stability) indicates that this missense variant is not expected to disrupt FBXO38 protein function with a negative predictive value of 80%. In summary, the available evidence is currently insufficient to determine the role of this variant in disease. Therefore, it has been classified as a Variant of Uncertain Significance.

GeneDx
Classification: Uncertain significance. Last evaluated: 2023-12-10. Review status: criteria provided, single submitter. Criteria: GeneDx Variant Classification Process June 2021. Collection method: clinical testing. Allele origin: germline. Affected: yes.
Comment: In silico analysis supports that this missense variant does not alter protein structure/function; Has not been previously published as pathogenic or benign to our knowledge; Variants in candidate genes are classified as variants of uncertain significance in accordance with ACMG guidelines (PMID: 25741868)